The following is an entry in ClinVar:

ClinVar aggregate classification (germline): Uncertain significance (1 of 4 stars; one submission).

Submission:

Labcorp Genetics (formerly Invitae), Labcorp
Classification: Uncertain significance. Last evaluated: 2023-05-15. Review status: criteria provided, single submitter. Criteria: Invitae Variant Classification Sherloc (09022015). Collection method: clinical testing. Allele origin: germline.
Comment: In summary, the available evidence is currently insufficient to determine the role of this variant in disease. Therefore, it has been classified as a Variant of Uncertain Significance. An algorithm developed to predict the effect of missense changes on protein structure and function (PolyPhen-2) suggests that this variant is likely to be disruptive. This variant has not been reported in the literature in individuals affected with ERBIN-related conditions. This variant is not present in population databases (gnomAD no frequency). This sequence change replaces threonine, which is neutral and polar, with proline, which is neutral and non-polar, at codon 1083 of the ERBIN protein (p.Thr1083Pro).

NM_001253697.2(ERBIN):c.3247A>C (p.Thr1083Pro)

Gene: ERBIN (erbb2 interacting protein; plus strand). Cytogenetic location: 5q12.3.
Variant type: single nucleotide variant.
Coding change: c.3247A>C on transcript NM_001253697.2 (MANE Select); coding-DNA position 3247, A replaced by C.
Protein change: p.Thr1083Pro; replaces threonine 1083 with proline.
Molecular consequence: missense variant.
Genome position (GRCh38, 1-based): chr5:66,054,565, A>C. VCF-style: chr5-66054565-A-C. GRCh37 (hg19) VCF-style: chr5-65350393-A-C.
Other names: c.3247A>C, p.Thr1083Pro (NM_001006600.3, NM_001253698.2, NM_001253699.2 and 1 more transcripts); c.3235A>C, p.Thr1079Pro (NM_001253701.2); short protein forms T1083P, T1079P.
Identifiers: ClinVar variation 2855557 (VCV002855557.3), dbSNP rs2546815418, ClinGen allele CA359869353.